The following is an entry in ClinVar:

NM_000051.4(ATM):c.2056C>A (p.Leu686Ile)

Gene: ATM (ATM serine/threonine kinase; plus strand). Cytogenetic location: 11q22.3.
Variant type: single nucleotide variant.
Coding change: c.2056C>A on transcript NM_000051.4 (MANE Select); coding-DNA position 2056, C replaced by A.
Protein change: p.Leu686Ile; replaces leucine 686 with isoleucine.
Molecular consequence: missense variant.
Genome position (GRCh38, 1-based): chr11:108,253,971, C>A. VCF-style: chr11-108253971-C-A. GRCh37 (hg19) VCF-style: chr11-108124698-C-A.
Other names: c.2056C>A, p.Leu686Ile (NM_001351834.2); short protein forms L686I.
Identifiers: ClinVar variation 490451 (VCV000490451.26), dbSNP rs1335638362, ClinGen allele CA382537468.

ClinVar aggregate classification (germline): Uncertain significance. Review status: criteria provided, multiple submitters, no conflicts (2 of 4 stars). 6 submissions from 6 submitters: Uncertain significance (5). 1 of the submissions does not count toward it. Last evaluated 2025-11-03.

Conditions:
Hereditary cancer-predisposing syndrome. Also called: Tumor predisposition; Neoplastic Syndromes, Hereditary; Hereditary Cancer Syndrome; Hereditary neoplastic syndrome. Identifiers: Orphanet 140162, MedGen C0027672, MeSH D009386, MONDO:0015356.
Hereditary breast ovarian cancer syndrome. Also called: Hereditary breast and ovarian cancer; Hereditary breast and ovarian cancer syndrome (HBOC); BRCA1- and BRCA2-Associated Hereditary Breast and Ovarian Cancer; Breast and ovarian cancer; Hereditary breast and ovarian cancer syndrome; Hereditary breast and/or ovarian cancer syndrome. Identifiers: Orphanet 145, MedGen C0677776, MeSH D061325, MONDO:0003582. Disease mechanism: loss of function.
Ataxia-telangiectasia syndrome (AT). Also called: Ataxia-telangiectasia; Ataxia-telangiectasia, complementation group D; AT, COMPLEMENTATION GROUP C; LOUIS-BAR SYNDROME; Cerebello-oculocutaneous telangiectasia; Immunodeficiency with ataxia telangiectasia. Identifiers: Orphanet 100, MedGen C0004135, MONDO:0008840, OMIM 208900.

Allele frequency attached by ClinVar (database versions not stated): gnomAD exomes 0.00001.
gnomAD v4.1: 5 of 1,614,058 alleles (0.00031%); highest among the groups gnomAD compares: East Asian, 0.0067%; no homozygotes.

Submissions (6):

Labcorp Genetics (formerly Invitae), Labcorp
Classification: Uncertain significance for Ataxia-telangiectasia syndrome. Last evaluated: 2025-11-03. Review status: criteria provided, single submitter. Criteria: Invitae Variant Classification Sherloc (09022015). Collection method: clinical testing. Allele origin: germline.
Comment: This sequence change replaces leucine, which is neutral and non-polar, with isoleucine, which is neutral and non-polar, at codon 686 of the ATM protein (p.Leu686Ile). This variant is not present in population databases (gnomAD no frequency). This missense change has been observed in individual(s) with breast cancer (PMID: 30287823, 35218119). ClinVar contains an entry for this variant (Variation ID: 490451). Invitae Evidence Modeling of protein sequence and biophysical properties (such as structural, functional, and spatial information, amino acid conservation, physicochemical variation, residue mobility, and thermodynamic stability) indicates that this missense variant is not expected to disrupt ATM protein function with a negative predictive value of 95%. In summary, the available evidence is currently insufficient to determine the role of this variant in disease. Therefore, it has been classified as a Variant of Uncertain Significance.

Ambry Genetics
Classification: Uncertain significance for Hereditary cancer-predisposing syndrome. Last evaluated: 2023-10-13. Review status: criteria provided, single submitter. Criteria: Ambry Variant Classification Scheme 2023. Collection method: clinical testing. Allele origin: germline.
Comment: The p.L686I variant (also known as c.2056C>A), located in coding exon 12 of the ATM gene, results from a C to A substitution at nucleotide position 2056. The leucine at codon 686 is replaced by isoleucine, an amino acid with highly similar properties. This alteration has been reported with a carrier frequency of 0.00085 in 7051 unselected breast cancer patients and 0.00062 in 11241 female controls of Japanese ancestry (Momozawa Y et al. Nat Commun, 2018 10;9:4083). This amino acid position is highly conserved in available vertebrate species. In addition, this alteration is predicted to be tolerated by in silico analysis. Since supporting evidence is limited at this time, the clinical significance of this alteration remains unclear.

Women's Health and Genetics/Laboratory Corporation of America, LabCorp
Classification: Uncertain significance. Last evaluated: 2022-09-22. Review status: criteria provided, single submitter. Criteria: LabCorp Variant Classification Summary - May 2015. Collection method: clinical testing. Allele origin: germline.
Comment: Variant summary: ATM c.2056C>A (p.Leu686Ile) results in a conservative amino acid change in the encoded protein sequence. Four of five in-silico tools predict a benign effect of the variant on protein function. The variant was absent in 251372 control chromosomes. The available data on variant occurrences in the general population are insufficient to allow any conclusion about variant significance. c.2056C>A has been reported in the literature as a VUS in at-least one study of Japanese individuals affected with breast cancer and in unaffected controls (example, Momozawa_2018). These report(s) do not provide unequivocal conclusions about association of the variant with Ataxia-Telangiectasia. To our knowledge, no experimental evidence demonstrating an impact on protein function has been reported. Five clinical diagnostic laboratories have submitted clinical-significance assessments for this variant to ClinVar after 2014 without evidence for independent evaluation. All laboratories classified the variant as uncertain significance. Based on the evidence outlined above, the variant was classified as uncertain significance.

Color Diagnostics, LLC DBA Color Health
Classification: Uncertain significance for Hereditary cancer-predisposing syndrome. Last evaluated: 2020-03-23. Review status: criteria provided, single submitter. Criteria: ACMG Guidelines, 2015. Collection method: clinical testing. Allele origin: germline.
Comment: This missense variant replaces leucine with isoleucine at codon 686 of the ATM protein. Computational prediction suggests that this variant may not impact protein structure and function (internally defined REVEL score threshold <= 0.5, PMID: 27666373). To our knowledge, functional studies have not been reported for this variant. This variant has not been reported in individuals affected with hereditary cancer in the literature. This variant has not been identified in the general population by the Genome Aggregation Database (gnomAD). The available evidence is insufficient to determine the role of this variant in disease conclusively. Therefore, this variant is classified as a Variant of Uncertain Significance.

Cancer Genomics Group, Japanese Foundation For Cancer Research
Classification: Uncertain significance for Hereditary breast and ovarian cancer syndrome. Last evaluated: 2019-05-01. Review status: criteria provided, single submitter. Criteria: ACMG Guidelines, 2015. Collection method: research. Allele origin: germline. Affected: yes.

Natera, Inc.
Classification: Uncertain significance for Ataxia-telangiectasia. Last evaluated: 2020-02-16. Review status: no assertion criteria provided. Collection method: clinical testing. Allele origin: germline. Not counted in ClinVar's aggregate classification.

Literature cited by the submitters: PubMed 30287823 (cited by 3 submitters); PubMed 35218119 (cited by Labcorp Genetics (formerly Invitae), Labcorp).